The following is an entry in ClinVar:

NM_000492.4(CFTR):c.931T>G (p.Phe311Val)

Gene: CFTR (CF transmembrane conductance regulator; plus strand). Cytogenetic location: 7q31.2.
Variant type: single nucleotide variant.
Coding change: c.931T>G on transcript NM_000492.4 (MANE Select); coding-DNA position 931, T replaced by G.
Protein change: p.Phe311Val; replaces phenylalanine 311 with valine.
Molecular consequence: missense variant.
Genome position (GRCh38, 1-based): chr7:117,540,161, T>G. VCF-style: chr7-117540161-T-G. GRCh37 (hg19) VCF-style: chr7-117180215-T-G.
Other names: short protein forms F311V.
Identifiers: ClinVar variation 2681869 (VCV002681869.1), dbSNP rs2116683801, ClinGen allele CA368978318.

ClinVar aggregate classification (germline): Uncertain significance (1 of 4 stars; one submission).

Submission:

Quest Diagnostics Nichols Institute San Juan Capistrano
Classification: Uncertain significance. Last evaluated: 2023-05-05. Review status: criteria provided, single submitter. Criteria: Quest Diagnostics criteria. Collection method: clinical testing. Allele origin: unknown.
Comment: This variant has not been reported in the published literature. It also has not been reported in large, multi-ethnic general populations. Analysis of this variant using bioinformatics tools for the prediction of the effect of amino acid changes on protein structure and function yielded predictions that this variant is damaging. Based on the available information, we are unable to determine the clinical significance of this variant.